The following is an entry in ClinVar:

ClinVar aggregate classification (germline): Benign (1 of 4 stars; one submission).

Conditions:
Hypogonadotropic hypogonadism 7 with or without anosmia (HH7). Also called: HYPOGONADOTROPIC HYPOGONADISM 7 WITHOUT ANOSMIA; GNRHR-Related GnRH Deficiency. Identifiers: Orphanet 432, MedGen C0342384, MONDO:0007794, OMIM 146110.

Allele frequency attached by ClinVar (database versions not stated): 1000 Genomes Project 0.18550; 1000 Genomes Project 30x 0.19097; gnomAD 0.22862 and 0.23503; TOPMed 0.23282.
gnomAD v4.1: 34,860 of 151,828 alleles (23%); highest among the groups gnomAD compares: Middle Eastern, 30%; 4,155 homozygotes.

Submission:

Illumina Laboratory Services, Illumina
Classification: Benign for Hypogonadotropic hypogonadism 7 with or without anosmia. Last evaluated: 2018-01-13. Review status: criteria provided, single submitter. Criteria: ICSL Variant Classification Criteria 13 December 2019. Collection method: clinical testing. Allele origin: germline.
Comment: This variant was observed in the ICSL laboratory as part of a predisposition screen in an ostensibly healthy population. It had not been previously curated by ICSL or reported in the Human Gene Mutation Database (HGMD: prior to June 1st, 2018), and was therefore a candidate for classification through an automated scoring system. Utilizing variant allele frequency, disease prevalence and penetrance estimates, and inheritance mode, an automated score was calculated to assess if this variant is too frequent to cause the disease. Based on the score and internal cut-off values, a variant classified as benign is not then subjected to further curation. The score for this variant resulted in a classification of benign for this disease.

NM_000406.3(GNRHR):c.*1891T>G

Gene: GNRHR (gonadotropin releasing hormone receptor; minus strand). Cytogenetic location: 4q13.2.
Variant type: single nucleotide variant.
Coding change: c.*1891T>G on transcript NM_000406.3 (MANE Select); 1891 bases downstream of the stop codon, T replaced by G.
Molecular consequence: 3 prime UTR variant.
Genome position (GRCh38, 1-based): chr4:67,738,589, A>C on the plus strand (T>G on the coding strand, the complement: GNRHR is on the minus strand). VCF-style: chr4-67738589-A-C. GRCh37 (hg19) VCF-style: chr4-68604307-A-C.
Other names: c.*2000T>G (NM_001012763.2).
Identifiers: ClinVar variation 349431 (VCV000349431.5), dbSNP rs12508464, ClinGen allele CA10618156.